The following is an entry in ClinVar:

ClinVar aggregate classification (germline): Uncertain significance. Review status: criteria provided, multiple submitters, no conflicts (2 of 4 stars). 2 submissions from 2 submitters: Uncertain significance (2). Last evaluated 2026-05-21.

Conditions:
SEMA3F-related disorder. Also called: SEMA3F-related condition.

Allele frequency attached by ClinVar (database versions not stated): TOPMed 0.00001; gnomAD exomes 0.00002.
gnomAD v4.1: 18 of 1,613,898 alleles (0.0011%); highest among the groups gnomAD compares: Admixed American, 0.0017%; no homozygotes.

Submissions (2):

PreventionGenetics, part of Exact Sciences
Classification: Uncertain significance for SEMA3F-related condition. Last evaluated: 2026-05-21. Review status: criteria provided, single submitter. Criteria: ACMG Guidelines, 2015. Collection method: clinical testing. Allele origin: germline.
Comment: The SEMA3F c.728T>C variant is predicted to result in the amino acid substitution p.Met243Thr. To our knowledge, this variant has not been reported in the literature. This variant is reported in 0.0065% of alleles in individuals of European (Non-Finnish) descent in gnomAD. At this time, the clinical significance of this variant is uncertain due to the absence of conclusive functional and genetic evidence.

Ambry Genetics
Classification: Uncertain significance. Last evaluated: 2025-11-26. Review status: criteria provided, single submitter. Criteria: Ambry Variant Classification Scheme 2023. Collection method: clinical testing. Allele origin: germline.

NM_004186.5(SEMA3F):c.728T>C (p.Met243Thr)

Gene: SEMA3F (semaphorin 3F; plus strand). Cytogenetic location: 3p21.31.
Variant type: single nucleotide variant.
Coding change: c.728T>C on transcript NM_004186.5 (MANE Select); coding-DNA position 728, T replaced by C.
Protein change: p.Met243Thr; replaces methionine 243 with threonine.
Molecular consequence: missense variant.
Genome position (GRCh38, 1-based): chr3:50,182,368, T>C. VCF-style: chr3-50182368-T-C. GRCh37 (hg19) VCF-style: chr3-50219801-T-C.
Other names: c.431T>C, p.Met144Thr (NM_001318798.2); c.635T>C, p.Met212Thr (NM_001318800.2); c.728T>C (NM_004186.3); short protein forms M144T, M212T, M243T.
Identifiers: ClinVar variation 2636529 (VCV002636529.3), dbSNP rs779830920, ClinGen allele CA74592150.